The following is an entry in ClinVar:

ClinVar aggregate classification (germline): Uncertain significance (1 of 4 stars; one submission).

Conditions:
Inborn genetic diseases. Identifiers: MedGen C0950123, MeSH D030342.

gnomAD v4.1: 1 of 1,614,078 alleles (0.000062%); highest among the groups gnomAD compares: South Asian, 0.0011%; no homozygotes.

Submission:

Ambry Genetics
Classification: Uncertain significance for Inborn genetic diseases. Last evaluated: 2023-10-26. Review status: criteria provided, single submitter. Criteria: Ambry Variant Classification Scheme 2023. Collection method: clinical testing. Allele origin: germline.
Comment: The p.E49K variant (also known as c.145G>A), located in coding exon 1 of the LRRK2 gene, results from a G to A substitution at nucleotide position 145. The glutamic acid at codon 49 is replaced by lysine, an amino acid with similar properties. This amino acid position is conserved. In addition, this alteration is predicted to be tolerated by in silico analysis. Since supporting evidence is limited at this time, the clinical significance of this alteration remains unclear.

NM_198578.4(LRRK2):c.145G>A (p.Glu49Lys)

Gene: LRRK2 (leucine rich repeat kinase 2; plus strand). Cytogenetic location: 12q12.
Variant type: single nucleotide variant.
Coding change: c.145G>A on transcript NM_198578.4 (MANE Select); coding-DNA position 145, G replaced by A.
Protein change: p.Glu49Lys; replaces glutamic acid 49 with lysine.
Molecular consequence: missense variant.
Genome position (GRCh38, 1-based): chr12:40,225,276, G>A. VCF-style: chr12-40225276-G-A. GRCh37 (hg19) VCF-style: chr12-40619078-G-A.
Other names: short protein forms E49K.
Identifiers: ClinVar variation 3229517 (VCV003229517.1), dbSNP rs781237537, ClinGen allele CA6512982.